The following is an entry in ClinVar:

NM_005883.3(APC2):c.5122C>T (p.Arg1708Trp)

Gene: APC2 (APC regulator of Wnt signaling pathway 2; plus strand). Cytogenetic location: 19p13.3.
Variant type: single nucleotide variant.
Coding change: c.5122C>T on transcript NM_005883.3 (MANE Select); coding-DNA position 5122, C replaced by T.
Protein change: p.Arg1708Trp; replaces arginine 1708 with tryptophan.
Molecular consequence: missense variant.
Genome position (GRCh38, 1-based): chr19:1,468,423, C>T. VCF-style: chr19-1468423-C-T. GRCh37 (hg19) VCF-style: chr19-1468422-C-T.
Other names: c.5119C>T, p.Arg1707Trp (NM_001351273.1); short protein forms R1707W, R1708W.
Identifiers: ClinVar variation 2126484 (VCV002126484.4), dbSNP rs1166645023, ClinGen allele CA403039871.

ClinVar aggregate classification (germline): Uncertain significance (1 of 4 stars; one submission).

Submission:

Labcorp Genetics (formerly Invitae), Labcorp
Classification: Uncertain significance. Last evaluated: 2022-04-15. Review status: criteria provided, single submitter. Criteria: Invitae Variant Classification Sherloc (09022015). Collection method: clinical testing. Allele origin: germline.
Comment: In summary, the available evidence is currently insufficient to determine the role of this variant in disease. Therefore, it has been classified as a Variant of Uncertain Significance. Algorithms developed to predict the effect of missense changes on protein structure and function are either unavailable or do not agree on the potential impact of this missense change (SIFT: "Deleterious"; PolyPhen-2: "Possibly Damaging"; Align-GVGD: "Class C0"). This variant has not been reported in the literature in individuals affected with APC2-related conditions. This variant is not present in population databases (gnomAD no frequency). This sequence change replaces arginine, which is basic and polar, with tryptophan, which is neutral and slightly polar, at codon 1708 of the APC2 protein (p.Arg1708Trp).